The following is an entry in ClinVar:

NM_000455.5(STK11):c.108C>G (p.Tyr36Ter)

Gene: STK11 (serine/threonine kinase 11; plus strand). Cytogenetic location: 19p13.3.
Variant type: single nucleotide variant.
Coding change: c.108C>G on transcript NM_000455.5 (MANE Select); coding-DNA position 108, C replaced by G.
Protein change: p.Tyr36Ter; replaces tyrosine 36 with a stop codon.
Molecular consequence: nonsense.
Genome position (GRCh38, 1-based): chr19:1,207,021, C>G. VCF-style: chr19-1207021-C-G. GRCh37 (hg19) VCF-style: chr19-1207020-C-G.
Other names: short protein forms Y36*.
Identifiers: ClinVar variation 486996 (VCV000486996.8), dbSNP rs137853079, ClinGen allele CA402943853.

ClinVar aggregate classification (germline): Pathogenic. Review status: criteria provided, multiple submitters, no conflicts (2 of 4 stars). 2 submissions from 2 submitters: Pathogenic (2). Last evaluated 2023-08-25.

Conditions:
Hereditary cancer-predisposing syndrome. Also called: Tumor predisposition; Neoplastic Syndromes, Hereditary; Hereditary Cancer Syndrome; Hereditary neoplastic syndrome. Identifiers: Orphanet 140162, MedGen C0027672, MeSH D009386, MONDO:0015356.
Peutz-Jeghers syndrome (PJS). Also called: POLYPOSIS, HAMARTOMATOUS INTESTINAL; POLYPS-AND-SPOTS SYNDROME; Peutz-Jeghers polyposis; Periorificial lentiginosis syndrome. Identifiers: Orphanet 2869, MedGen C0031269, MeSH D010580, MONDO:0008280, OMIM 175200.

Submissions (2):

Labcorp Genetics (formerly Invitae), Labcorp
Classification: Pathogenic for Peutz-Jeghers syndrome. Last evaluated: 2023-08-25. Review status: criteria provided, single submitter. Criteria: Invitae Variant Classification Sherloc (09022015). Collection method: clinical testing. Allele origin: germline.
Comment: This variant has not been reported in the literature in individuals affected with STK11-related conditions. This variant is not present in population databases (gnomAD no frequency). This sequence change creates a premature translational stop signal (p.Tyr36*) in the STK11 gene. It is expected to result in an absent or disrupted protein product. Loss-of-function variants in STK11 are known to be pathogenic (PMID: 15188174, 16287113). ClinVar contains an entry for this variant (Variation ID: 486996). For these reasons, this variant has been classified as Pathogenic.

Ambry Genetics
Classification: Pathogenic for Hereditary cancer-predisposing syndrome. Last evaluated: 2017-08-04. Review status: criteria provided, single submitter. Criteria: Ambry Variant Classification Scheme 2023. Collection method: clinical testing. Allele origin: germline.
Comment: The p.Y36* pathogenic mutation (also known as c.108C>G), located in coding exon 1 of the STK11 gene, results from a C to G substitution at nucleotide position 108. This changes the amino acid from a tyrosine to a stop codon within coding exon 1. This alteration is expected to result in loss of function by premature protein truncation or nonsense-mediated mRNA decay. As such, this alteration is interpreted as a disease-causing mutation.

Literature cited by the submitters: PubMed 15188174 (cited by Labcorp Genetics (formerly Invitae), Labcorp); PubMed 16287113 (cited by Labcorp Genetics (formerly Invitae), Labcorp).